The following is an entry in ClinVar:

ClinVar aggregate classification (germline): Pathogenic (1 of 4 stars; one submission).

Submission:

Labcorp Genetics (formerly Invitae), Labcorp
Classification: Pathogenic. Last evaluated: 2023-06-19. Review status: criteria provided, single submitter. Criteria: Invitae Variant Classification Sherloc (09022015). Collection method: clinical testing. Allele origin: germline.
Comment: This sequence change creates a premature translational stop signal (p.Ser286*) in the WISP3 gene. While this is not anticipated to result in nonsense mediated decay, it is expected to disrupt the last 69 amino acid(s) of the WISP3 protein. This variant is not present in population databases (gnomAD no frequency). This premature translational stop signal has been observed in individual(s) with progressive pseudorheumatoid dysplasia (PMID: 22791401). This variant disrupts a region of the WISP3 protein in which other variant(s) (p.Ser290Leufs*12) have been determined to be pathogenic (PMID: 10471507, 22791401, 29258992). This suggests that this is a clinically significant region of the protein, and that variants that disrupt it are likely to be disease-causing. For these reasons, this variant has been classified as Pathogenic.

Literature cited by the submitters: PubMed 22791401; PubMed 10471507; PubMed 29258992.

NM_198239.2(CCN6):c.857C>G (p.Ser286Ter)

Gene: CCN6 (cellular communication network factor 6; plus strand). Cytogenetic location: 6q21.
Variant type: single nucleotide variant.
Coding change: c.857C>G on transcript NM_198239.2 (MANE Select); coding-DNA position 857, C replaced by G.
Protein change: p.Ser286Ter; replaces serine 286 with a stop codon.
Molecular consequence: nonsense. On other transcripts: non-coding transcript variant (2).
Genome position (GRCh38, 1-based): chr6:112,069,412, C>G. VCF-style: chr6-112069412-C-G. GRCh37 (hg19) VCF-style: chr6-112390615-C-G.
Other names: c.857C>G, p.Ser286Ter (NM_003880.4); short protein forms S286*.
Identifiers: ClinVar variation 2734933 (VCV002734933.3), dbSNP rs1776808199, ClinGen allele CA365375930.